The following is an entry in ClinVar:

ClinVar aggregate classification (germline): Uncertain significance (1 of 4 stars; one submission).

Conditions:
Primary ciliary dyskinesia 6. Also called: Primary Ciliary Dyskinesia 6: TXNDC3-Related Primary Ciliary Dyskinesia. Identifiers: Orphanet 244, MedGen C1970506, MONDO:0012571, OMIM 610852.

Allele frequency attached by ClinVar (database versions not stated): gnomAD exomes 0.00001; TOPMed 0.00001.
gnomAD v4.1: 12 of 1,613,592 alleles (0.00074%); highest among the groups gnomAD compares: African/African-American, 0.008%; no homozygotes.

Submission:

Labcorp Genetics (formerly Invitae), Labcorp
Classification: Uncertain significance for Primary ciliary dyskinesia 6. Last evaluated: 2025-06-09. Review status: criteria provided, single submitter. Criteria: Invitae Variant Classification Sherloc (09022015). Collection method: clinical testing. Allele origin: germline.
Comment: This sequence change replaces tyrosine, which is neutral and polar, with histidine, which is basic and polar, at codon 432 of the NME8 protein (p.Tyr432His). This variant is not present in population databases (gnomAD no frequency). This variant has not been reported in the literature in individuals affected with NME8-related conditions. ClinVar contains an entry for this variant (Variation ID: 2153824). Invitae Evidence Modeling of protein sequence and biophysical properties (such as structural, functional, and spatial information, amino acid conservation, physicochemical variation, residue mobility, and thermodynamic stability) indicates that this missense variant is not expected to disrupt NME8 protein function with a negative predictive value of 80%. In summary, the available evidence is currently insufficient to determine the role of this variant in disease. Therefore, it has been classified as a Variant of Uncertain Significance.

NM_016616.5(NME8):c.1294T>C (p.Tyr432His)

Gene: NME8 (NME/NM23 family member 8; plus strand). Cytogenetic location: 7p14.1.
Variant type: single nucleotide variant.
Coding change: c.1294T>C on transcript NM_016616.5 (MANE Select); coding-DNA position 1294, T replaced by C.
Protein change: p.Tyr432His; replaces tyrosine 432 with histidine.
Molecular consequence: missense variant.
Genome position (GRCh38, 1-based): chr7:37,888,323, T>C. VCF-style: chr7-37888323-T-C. GRCh37 (hg19) VCF-style: chr7-37927925-T-C.
Other names: short protein forms Y432H.
Identifiers: ClinVar variation 2153824 (VCV002153824.4), dbSNP rs113136095, ClinGen allele CA157134620.